The following is an entry in ClinVar:

NM_004560.4(ROR2):c.1286G>A (p.Arg429Gln)

Gene: ROR2 (receptor tyrosine kinase like orphan receptor 2; minus strand). Cytogenetic location: 9q22.31.
Variant type: single nucleotide variant.
Coding change: c.1286G>A on transcript NM_004560.4 (MANE Select); coding-DNA position 1286, G replaced by A.
Protein change: p.Arg429Gln; replaces arginine 429 with glutamine.
Molecular consequence: missense variant.
Genome position (GRCh38, 1-based): chr9:91,726,641, C>T on the plus strand (G>A on the coding strand, the complement: ROR2 is on the minus strand). VCF-style: chr9-91726641-C-T. GRCh37 (hg19) VCF-style: chr9-94488923-C-T.
Other names: c.1252G>A, p.Gly418Arg (NM_001318204.2); short protein forms R429Q, G418R.
Identifiers: ClinVar variation 2996462 (VCV002996462.3), dbSNP rs745922319, ClinGen allele CA373799519.
Genomic context (GRCh38, chr9:91,726,641, plus strand): 5'-CTGGGCGAGGCCATCAGCTGTCGCCGCTGCGGTGTGGACGCAGATGCCTTCTGCTTATTC[C>T]GGCACATGCAAACCAAGAAGAAAAGGCAAGCGATGACCAGTGGAATTGCGATGCTGGGGA-3'
Protein context (NP_004551.2, residues 419-439): ACLFFLVCMC[Arg429Gln]NKQKASASTP

ClinVar aggregate classification (germline): Uncertain significance (1 of 4 stars; one submission).

Allele frequency attached by ClinVar (database versions not stated): gnomAD 0.00001; TOPMed below 0.00001.
gnomAD v4.1: 2 of 1,613,834 alleles (0.00012%); highest among the groups gnomAD compares: Admixed American, 0.0017%; no homozygotes.

Submission:

Labcorp Genetics (formerly Invitae), Labcorp
Classification: Uncertain significance. Last evaluated: 2025-09-14. Review status: criteria provided, single submitter. Criteria: Invitae Variant Classification Sherloc (09022015). Collection method: clinical testing. Allele origin: germline.
Comment: This sequence change replaces arginine, which is basic and polar, with glutamine, which is neutral and polar, at codon 429 of the ROR2 protein (p.Arg429Gln). This variant is not present in population databases (gnomAD no frequency). This variant has not been reported in the literature in individuals affected with ROR2-related conditions. ClinVar contains an entry for this variant (Variation ID: 2996462). Invitae Evidence Modeling of protein sequence and biophysical properties (such as structural, functional, and spatial information, amino acid conservation, physicochemical variation, residue mobility, and thermodynamic stability) indicates that this missense variant is not expected to disrupt ROR2 protein function with a negative predictive value of 80%. In summary, the available evidence is currently insufficient to determine the role of this variant in disease. Therefore, it has been classified as a Variant of Uncertain Significance.